The following is an entry in ClinVar:

ClinVar aggregate classification (germline): Uncertain significance (1 of 4 stars; one submission).

Submission:

Women's Health and Genetics/Laboratory Corporation of America, LabCorp
Classification: Uncertain significance. Last evaluated: 2023-07-05. Review status: criteria provided, single submitter. Criteria: LabCorp Variant Classification Summary - May 2015. Collection method: clinical testing. Allele origin: germline.
Comment: Variant summary: CSRP3 c.118T>G (p.Cys40Gly) results in a non-conservative amino acid change located in the Zinc finger, LIM-type (IPR001781) of the encoded protein sequence. Five of five in-silico tools predict a damaging effect of the variant on protein function. The variant was absent in 250478 control chromosomes (gnomAD). The available data on variant occurrences in the general population are insufficient to allow any conclusion about variant significance. To our knowledge, no occurrence of c.118T>G in individuals affected with Cardiomyopathy and no experimental evidence demonstrating its impact on protein function have been reported. No submitters have cited clinical-significance assessments for this variant to ClinVar after 2014. Based on the evidence outlined above, the variant was classified as uncertain significance.

NM_003476.5(CSRP3):c.118T>G (p.Cys40Gly)

Gene: CSRP3 (cysteine and glycine rich protein 3; minus strand). Cytogenetic location: 11p15.1.
Variant type: single nucleotide variant.
Coding change: c.118T>G on transcript NM_003476.5 (MANE Select); coding-DNA position 118, T replaced by G.
Protein change: p.Cys40Gly; replaces cysteine 40 with glycine.
Molecular consequence: missense variant. On other transcripts: intron variant (1).
Genome position (GRCh38, 1-based): chr11:19,188,299, A>C on the plus strand (T>G on the coding strand, the complement: CSRP3 is on the minus strand). VCF-style: chr11-19188299-A-C. GRCh37 (hg19) VCF-style: chr11-19209846-A-C.
Other names: c.118T>G, p.Cys40Gly (NM_001127656.1); c.113-1951T>G (NM_001369404.1); short protein forms C40G.
Identifiers: ClinVar variation 2577393 (VCV002577393.1), dbSNP rs920763927, ClinGen allele CA218633676.